The following is an entry in ClinVar:

NM_000327.4(ROM1):c.632G>C (p.Gly211Ala)

Gene: ROM1 (retinal outer segment membrane protein 1; plus strand). Cytogenetic location: 11q12.3.
Variant type: single nucleotide variant.
Coding change: c.632G>C on transcript NM_000327.4 (MANE Select); coding-DNA position 632, G replaced by C.
Protein change: p.Gly211Ala; replaces glycine 211 with alanine.
Molecular consequence: missense variant.
Genome position (GRCh38, 1-based): chr11:62,614,299, G>C. VCF-style: chr11-62614299-G-C. GRCh37 (hg19) VCF-style: chr11-62381771-G-C.
Other names: short protein forms G211A.
Identifiers: ClinVar variation 2102162 (VCV002102162.4), dbSNP rs2496225782, ClinGen allele CA380971531.
Genomic context (GRCh38, chr11:62,614,299, plus strand): 5'-TCTGTCCCTCCCTTTGCAGCCGGATCCAGAGCAATGTAGAAGGCCTATACCTGACTGATG[G>C]GGTCCCTTTCTCCTGTTGCAACCCCCACTCACCCCGGCCTTGCCTGCAAAACCGTCTTTC-3'
Protein context (NP_000318.2, residues 201-221): SNVEGLYLTD[Gly211Ala]VPFSCCNPHS

ClinVar aggregate classification (germline): Uncertain significance (1 of 4 stars; one submission).

Submission:

Labcorp Genetics (formerly Invitae), Labcorp
Classification: Uncertain significance. Last evaluated: 2022-06-20. Review status: criteria provided, single submitter. Criteria: Invitae Variant Classification Sherloc (09022015). Collection method: clinical testing. Allele origin: germline.
Comment: Algorithms developed to predict the effect of missense changes on protein structure and function are either unavailable or do not agree on the potential impact of this missense change (SIFT: "Tolerated"; PolyPhen-2: "Possibly Damaging"; Align-GVGD: "Class C0"). This variant has not been reported in the literature in individuals affected with ROM1-related conditions. This variant is not present in population databases (gnomAD no frequency). This sequence change replaces glycine, which is neutral and non-polar, with alanine, which is neutral and non-polar, at codon 211 of the ROM1 protein (p.Gly211Ala). In summary, the available evidence is currently insufficient to determine the role of this variant in disease. Therefore, it has been classified as a Variant of Uncertain Significance.